The following is an entry in ClinVar:

NM_012082.4(ZFPM2):c.1227G>T (p.Gln409His)

Genes: ZFPM2 (zinc finger protein, FOG family member 2; plus strand), ZFPM2-AS1 (ZFPM2 antisense RNA 1; minus strand). Cytogenetic location: 8q23.1.
Variant type: single nucleotide variant.
Coding change: c.1227G>T on transcript NM_012082.4 (MANE Select); coding-DNA position 1227, G replaced by T.
Protein change: p.Gln409His; replaces glutamine 409 with histidine.
Molecular consequence: missense variant.
Genome position (GRCh38, 1-based): chr8:105,801,309, G>T. VCF-style: chr8-105801309-G-T. GRCh37 (hg19) VCF-style: chr8-106813537-G-T.
Other names: c.1068G>T, p.Gln356His (NM_001362836.2); c.831G>T, p.Gln277His (NM_001362837.2); short protein forms Q409H, Q356H, Q277H.
Identifiers: ClinVar variation 544223 (VCV000544223.14), dbSNP rs201439692, ClinGen allele CA4839722.

ClinVar aggregate classification (germline): Conflicting classifications of pathogenicity. Review status: criteria provided, conflicting classifications (1 of 4 stars). 3 submissions from 3 submitters: Uncertain significance (1); Likely benign (2). Last evaluated 2026-04-20.

Conditions:
ZFPM2-related disorder. Also called: ZFPM2-related condition.
46,XY sex reversal 9 (SRXY9). Also called: 46,XY SEX REVERSAL, ZFPM2-RELATED. Identifiers: Orphanet 251510, MedGen C4015129, MONDO:0014480, OMIM 616067.
Inborn genetic diseases. Identifiers: MedGen C0950123, MeSH D030342.

Allele frequency attached by ClinVar (database versions not stated): gnomAD exomes 0.00026; ExAC 0.00034; gnomAD 0.00090 and 0.00097; ESP Exome Variant Server 0.00105; TOPMed 0.00109; 1000 Genomes Project 0.00140; 1000 Genomes Project 30x 0.00141.
gnomAD v4.1: 276 of 1,613,910 alleles (0.017%); highest among the groups gnomAD compares: African/African-American, 0.34%; no homozygotes.

Submissions (3):

PreventionGenetics, part of Exact Sciences
Classification: Likely benign for ZFPM2-related condition. Last evaluated: 2026-04-20. Review status: criteria provided, single submitter. Criteria: ACMG Guidelines, 2015. Collection method: clinical testing. Allele origin: germline.
Comment: This variant is classified as likely benign based on ACMG/AMP sequence variant interpretation guidelines (Richards et al. 2015 PMID: 25741868, with internal and published modifications).

Labcorp Genetics (formerly Invitae), Labcorp
Classification: Likely benign for 46,XY sex reversal 9. Last evaluated: 2025-07-01. Review status: criteria provided, single submitter. Criteria: Invitae Variant Classification Sherloc (09022015). Collection method: clinical testing. Allele origin: germline.

Ambry Genetics
Classification: Uncertain significance for Inborn genetic diseases. Last evaluated: 2024-05-15. Review status: criteria provided, single submitter. Criteria: Ambry Variant Classification Scheme 2023. Collection method: clinical testing. Allele origin: germline.